The following is an entry in ClinVar:

ClinVar aggregate classification (germline): Uncertain significance (1 of 4 stars; one submission).

Conditions:
Gastrointestinal stromal tumor. Also called: Gastrointestinal stroma tumor; Gastrointestinal stromal tumor, somatic. Identifiers: Orphanet 44890, MedGen C0238198, MeSH D046152, MONDO:0011719, OMIM 606764, HP:0100723.

Allele frequency attached by ClinVar (database versions not stated): gnomAD exomes below 0.00001.
gnomAD v4.1: 1 of 1,614,076 alleles (0.000062%); highest among the groups gnomAD compares: African/African-American, 0.0013%; no homozygotes.

Submission:

Labcorp Genetics (formerly Invitae), Labcorp
Classification: Uncertain significance for Gastrointestinal stromal tumor. Last evaluated: 2023-10-28. Review status: criteria provided, single submitter. Criteria: Invitae Variant Classification Sherloc (09022015). Collection method: clinical testing. Allele origin: germline.
Comment: This sequence change replaces isoleucine, which is neutral and non-polar, with asparagine, which is neutral and polar, at codon 935 of the KIT protein (p.Ile935Asn). This variant is not present in population databases (gnomAD no frequency). This variant has not been reported in the literature in individuals affected with KIT-related conditions. ClinVar contains an entry for this variant (Variation ID: 2007545). An algorithm developed to predict the effect of missense changes on protein structure and function (PolyPhen-2) suggests that this variant is likely to be tolerated. In summary, the available evidence is currently insufficient to determine the role of this variant in disease. Therefore, it has been classified as a Variant of Uncertain Significance.

NM_000222.3(KIT):c.2804T>A (p.Ile935Asn)

Gene: KIT (KIT proto-oncogene, receptor tyrosine kinase; plus strand). Cytogenetic location: 4q12.
Variant type: single nucleotide variant.
Coding change: c.2804T>A on transcript NM_000222.3 (MANE Select); coding-DNA position 2804, T replaced by A.
Protein change: p.Ile935Asn; replaces isoleucine 935 with asparagine.
Molecular consequence: missense variant.
Genome position (GRCh38, 1-based): chr4:54,738,430, T>A. VCF-style: chr4-54738430-T-A. GRCh37 (hg19) VCF-style: chr4-55604596-T-A.
Other names: c.2792T>A, p.Ile931Asn (NM_001093772.2, NM_001385292.1); c.2807T>A, p.Ile936Asn (NM_001385284.1); c.2801T>A, p.Ile934Asn (NM_001385285.1); c.2789T>A, p.Ile930Asn (NM_001385286.1); c.2795T>A, p.Ile932Asn (NM_001385288.1); c.2804T>A, p.Ile935Asn (NM_001385290.1); short protein forms I930N, I934N, I935N, I936N, I932N, I931N.
Identifiers: ClinVar variation 2007545 (VCV002007545.4), dbSNP rs2475589112, ClinGen allele CA356915660.